The following is an entry in ClinVar:

ClinVar aggregate classification (germline): Likely benign (1 of 4 stars; one submission).

Allele frequency attached by ClinVar (database versions not stated): 1000 Genomes Project 30x 0.00109; 1000 Genomes Project 0.00140; ESP Exome Variant Server 0.00154; TOPMed 0.00162; gnomAD 0.00245; ExAC 0.00246; gnomAD exomes 0.00263.
gnomAD v4.1: 4,196 of 1,614,194 alleles (0.26%); highest among the groups gnomAD compares: South Asian, 0.29%; 18 homozygotes.

Submission:

CeGaT Center for Human Genetics Tuebingen
Classification: Likely benign. Last evaluated: 2022-08-01. Review status: criteria provided, single submitter. Criteria: CeGaT Center For Human Genetics Tuebingen Variant Classification Criteria Version 2. Collection method: clinical testing. Allele origin: germline. Affected: yes. Observed: 1 variant allele.
Comment: SIPA1L1: BP4, BP7

NM_001386936.1(SIPA1L1):c.3576A>G (p.Ser1192=)

Gene: SIPA1L1 (signal induced proliferation associated 1 like 1; plus strand). Cytogenetic location: 14q24.2.
Variant type: single nucleotide variant.
Coding change: c.3576A>G on transcript NM_001386936.1 (MANE Select); coding-DNA position 3576, A replaced by G.
Protein change: p.Ser1192=; no amino-acid change (serine 1192 retained).
Molecular consequence: synonymous variant.
Genome position (GRCh38, 1-based): chr14:71,702,435, A>G. VCF-style: chr14-71702435-A-G. GRCh37 (hg19) VCF-style: chr14-72169152-A-G.
Other names: c.3576A>G, p.Ser1192= (NM_001284246.2, NM_001284247.3, NM_001354285.2 and 5 more transcripts); c.2094A>G, p.Ser698= (NM_001354289.2).
Identifiers: ClinVar variation 2644354 (VCV002644354.24), dbSNP rs78375992, ClinGen allele CA7253135.
Genomic context (GRCh38, chr14:71,702,435, plus strand): 5'-CCACAGGTTTGGAGTGAGCCGTAGATCCCCAGCCTCCATTGACAGGCAGAACACCCAGTC[A>G]GATATTGGTGGCAGCGGAAAATCCACGCCTAGCTGGCAAAGAAGTGAGGATAGCATTGCT-3'
Protein context (NP_001373865.1, residues 1182-1202): PASIDRQNTQ[Ser1192=]DIGGSGKSTP